The following is an entry in ClinVar:

NM_000463.2(UGT1A1):c.-85_-83dupCAT

Genes: UGT1A (UDP glucuronosyltransferase family 1 member A complex locus; plus strand), UGT1A1 (UDP glucuronosyltransferase family 1 member A1; plus strand), UGT1A10 (UDP glucuronosyltransferase family 1 member A10; plus strand), UGT1A3 (UDP glucuronosyltransferase family 1 member A3; plus strand), UGT1A4 (UDP glucuronosyltransferase family 1 member A4; plus strand) and 5 more. Cytogenetic location: 2q37.1.
Variant type: Duplication.
Coding change: c.-85_-83dupCAT on transcript NM_000463.2; 85 bases upstream of the start codon through 83 bases upstream of the start codon, 3 bases duplicated (CAT).
Molecular consequence: intron variant (on NM_019076.5).
Genome position (GRCh38, 1-based): chr2:233,760,203-233,760,205, CAT duplicated. VCF-style (leftmost placement, unchanged base first): chr2-233760202-A-ACAT. GRCh37 (hg19) VCF-style: chr2-234668848-A-ACAT.
Other names: c.856-6831_856-6829dup (NM_019076.5, NM_019075.4, NM_021027.3 and 1 more transcripts); c.61-6831_61-6829dup (NM_205862.3); c.862-6831_862-6829dup (NM_001072.4); c.868-6831_868-6829dup (NM_019078.2, NM_007120.3, NM_019093.4).
Identifiers: ClinVar variation 2634101 (VCV002634101.1), dbSNP rs1697345011, ClinGen allele CA1043554480.

ClinVar aggregate classification (germline): Pathogenic (1 of 4 stars; one submission).

Conditions:
UGT1A1-related disorder. Also called: UGT1A1-related condition; UGT1A1-related disorders.

Allele frequency attached by ClinVar (database versions not stated): gnomAD exomes 0.00003; TOPMed 0.00002; gnomAD 0.00001.

Submission:

PreventionGenetics, part of Exact Sciences
Classification: Pathogenic for UGT1A1-related condition. Last evaluated: 2023-06-19. Review status: criteria provided, single submitter. Criteria: ACMG Guidelines, 2015. Collection method: clinical testing. Allele origin: germline.
Comment: The UGT1A1 c.-85_-83dupCAT variant is located in the 5' untranslated region. This variant has been reported in the homozygous state, or in the heterozygous state with a second UGT1A1 variant, in multiple patients with Gilbert syndrome and Crigler-Najjar syndrome type II (Farheen et al. 2006. PubMed ID: 16610035; van Dijk et al. 2015. PubMed ID: 26220753; Kumar et al. 2017. PubMed ID: 28892962; Shi et al. 2019. PubMed ID: 31142299). This variant is expected to interrupt the HNF1α binding site and impairs UGT1A1 promoter activity (van Dijk et al. 2015. PubMed ID: 26220753). This variant has not been reported in a large population database, indicating this variant is rare. Taken together we interpret this variant as pathogenic.